The following is an entry in ClinVar:

NM_001184.4(ATR):c.5710C>T (p.Arg1904Trp)

Gene: ATR (ATR checkpoint kinase; minus strand). Cytogenetic location: 3q23.
Variant type: single nucleotide variant.
Coding change: c.5710C>T on transcript NM_001184.4 (MANE Select); coding-DNA position 5710, C replaced by T.
Protein change: p.Arg1904Trp; replaces arginine 1904 with tryptophan.
Molecular consequence: missense variant.
Genome position (GRCh38, 1-based): chr3:142,497,041, G>A on the plus strand (C>T on the coding strand, the complement: ATR is on the minus strand). VCF-style: chr3-142497041-G-A. GRCh37 (hg19) VCF-style: chr3-142215883-G-A.
Other names: c.5518C>T, p.Arg1840Trp (NM_001354579.2); short protein forms R1840W, R1904W.
Identifiers: ClinVar variation 1749242 (VCV001749242.8), dbSNP rs749374898, ClinGen allele CA2649566.

ClinVar aggregate classification (germline): Uncertain significance. Review status: criteria provided, multiple submitters, no conflicts (2 of 4 stars). 3 submissions from 3 submitters: Uncertain significance (3). Last evaluated 2025-01-22.

Conditions:
Inborn genetic diseases. Identifiers: MedGen C0950123, MeSH D030342.

Allele frequency attached by ClinVar (database versions not stated): TOPMed below 0.00001; gnomAD 0.00001; gnomAD exomes 0.00001; ExAC 0.00002.
gnomAD v4.1: 15 of 1,613,032 alleles (0.00093%); highest among the groups gnomAD compares: South Asian, 0.0011%; no homozygotes.

Submissions (3):

Ambry Genetics
Classification: Uncertain significance for Inborn genetic diseases. Last evaluated: 2025-01-22. Review status: criteria provided, single submitter. Criteria: Ambry Variant Classification Scheme 2023. Collection method: clinical testing. Allele origin: germline.

Blueprint Genetics
Classification: Uncertain significance. Last evaluated: 2024-06-14. Review status: criteria provided, single submitter. Criteria: ACMG Guidelines, 2015. Collection method: clinical testing. Allele origin: germline.

Labcorp Genetics (formerly Invitae), Labcorp
Classification: Uncertain significance. Last evaluated: 2022-03-10. Review status: criteria provided, single submitter. Criteria: Invitae Variant Classification Sherloc (09022015). Collection method: clinical testing. Allele origin: germline.
Comment: In summary, the available evidence is currently insufficient to determine the role of this variant in disease. Therefore, it has been classified as a Variant of Uncertain Significance. Algorithms developed to predict the effect of missense changes on protein structure and function (SIFT, PolyPhen-2, Align-GVGD) all suggest that this variant is likely to be disruptive. This variant has not been reported in the literature in individuals affected with ATR-related conditions. This variant is present in population databases (rs749374898, gnomAD 0.009%). This sequence change replaces arginine, which is basic and polar, with tryptophan, which is neutral and slightly polar, at codon 1904 of the ATR protein (p.Arg1904Trp).